The following is an entry in ClinVar:

ClinVar aggregate classification (germline): Uncertain significance (1 of 4 stars; one submission).

Conditions:
Adams-Oliver syndrome 5 (AOS5). Identifiers: Orphanet 974, MedGen C4014970, MONDO:0014459, OMIM 616028.

Submission:

Labcorp Genetics (formerly Invitae), Labcorp
Classification: Uncertain significance for Adams-Oliver syndrome 5. Last evaluated: 2019-12-26. Review status: criteria provided, single submitter. Criteria: Invitae Variant Classification Sherloc (09022015). Collection method: clinical testing. Allele origin: germline.
Comment: This variant is a gross deletion of the genomic region encompassing exons 3-34 of the NOTCH1 gene. The 5' boundary is likely confined to intron 3. The 3' end of this event is unknown as it extends through the termination codon beyond the assayed region for this gene and may encompass additional genes. While this deletion is not anticipated to result in nonsense mediated decay, it is expected to create a truncated protein product or disrupt mRNA translation. This variant has not been reported in the literature in individuals with NOTCH1-related conditions. This variant disrupts a region of the protein in which other variant(s) (p.Cys429Arg), (p.Cys1496Tyr), and (p.Asp1989Asn) have been observed in individuals with NOTCH1-related conditions (PMID: 25132448). This suggests that this may be a clinically significant region of the NOTCH1 protein. In summary, the available evidence is currently insufficient to determine the role of this variant in disease. Therefore, it has been classified as a Variant of Uncertain Significance.

Literature cited by the submitters: PubMed 25132448.

NC_000009.12:g.(?_136496051)_(136523999_?)del

Gene: NOTCH1 (notch receptor 1; minus strand). Cytogenetic location: 9q34.3.
Variant type: Deletion.
Identifiers: ClinVar variation 832650 (VCV000832650.1).